The following is an entry in ClinVar:

ClinVar aggregate classification (germline): Benign (1 of 4 stars; one submission).

Conditions:
Glycogen storage disease, type II (IOPD). Also called: Pompe Disease; CARDIOMEGALIA GLYCOGENICA DIFFUSA; GLYCOGENOSIS, GENERALIZED, CARDIAC FORM; GSD II; POMPE DISEASE, INFANTILE-ONSET; GLYCOGEN STORAGE DISEASE II, INFANTILE-ONSET. Identifiers: Orphanet 365, MedGen C0017921, MONDO:0009290, OMIM 232300.

gnomAD v4.1: 1,492 of 152,158 alleles (0.98%); highest among the groups gnomAD compares: African/African-American, 3.4%; 20 homozygotes.

Submission:

Genomenon, Inc
Classification: Benign for Glycogen storage disease, type II. Last evaluated: 2026-07-01. Review status: criteria provided, single submitter. Criteria: Genomenon Sequence Variant Interpretation Standards - Updated. Collection method: curation. Allele origin: germline. Affected: no.
Comment: GAA c.2190-1463G>A is an intronic variant located in intron 15. This variant is present at high allele frequency in population databases. We classify GAA c.2190-1463G>A as a benign variant.

NM_000152.5(GAA):c.2190-1463G>A

Gene: GAA (alpha glucosidase; plus strand). Cytogenetic location: 17q25.3.
Variant type: single nucleotide variant.
Coding change: c.2190-1463G>A on transcript NM_000152.5 (MANE Select); 1463 bases into the intron before coding-DNA position 2190, G replaced by A.
Molecular consequence: intron variant.
Genome position (GRCh38, 1-based): chr17:80,115,505, G>A. VCF-style: chr17-80115505-G-A. GRCh37 (hg19) VCF-style: chr17-78089304-G-A.
Other names: c.2190-1463G>A (NM_001406741.1, NM_001406742.1, NM_001079803.3 and 1 more transcripts).
Identifiers: ClinVar variation 4876372 (VCV004876372.1).